The following is an entry in ClinVar:

NM_004327.4(BCR):c.2178C>T (p.Arg726=)

Gene: BCR (BCR activator of RhoGEF and GTPase; plus strand). Cytogenetic location: 22q11.23.
Variant type: single nucleotide variant.
Coding change: c.2178C>T on transcript NM_004327.4 (MANE Select); coding-DNA position 2178, C replaced by T.
Protein change: p.Arg726=; no amino-acid change (arginine 726 retained).
Molecular consequence: synonymous variant.
Genome position (GRCh38, 1-based): chr22:23,284,039, C>T. VCF-style: chr22-23284039-C-T. GRCh37 (hg19) VCF-style: chr22-23626226-C-T.
Other names: c.2178C>T, p.Arg726= (NM_021574.3).
Identifiers: ClinVar variation 5039066 (VCV005039066.1).

ClinVar aggregate classification (germline): Likely benign (1 of 4 stars; one submission).

gnomAD v4.1: 14 of 1,608,546 alleles (0.00087%); highest among the groups gnomAD compares: Middle Eastern, 0.066%; no homozygotes.

Submission:

CeGaT Center for Human Genetics Tuebingen
Classification: Likely benign. Last evaluated: 2026-07-01. Review status: criteria provided, single submitter. Criteria: CeGaT Center For Human Genetics Tuebingen Variant Classification Criteria Version 2. Collection method: clinical testing. Allele origin: germline. Affected: yes. Observed: 1 variant allele.
Comment: BCR: BP4, BP7